The following is an entry in ClinVar:

ClinVar aggregate classification (germline): Uncertain significance. Review status: criteria provided, multiple submitters, no conflicts (2 of 4 stars). 2 submissions from 2 submitters: Uncertain significance (2). Last evaluated 2025-08-13.

Conditions:
Wiskott-Aldrich syndrome 2 (WAS2). Also called: WIPF1 DEFICIENCY. Identifiers: Orphanet 906, MedGen C3281001, MONDO:0013779, OMIM 614493.
Inborn genetic diseases. Identifiers: MedGen C0950123, MeSH D030342.

Allele frequency attached by ClinVar (database versions not stated): TOPMed below 0.00001; gnomAD 0.00001.

Submissions (2):

Ambry Genetics
Classification: Uncertain significance for Inborn genetic diseases. Last evaluated: 2025-08-13. Review status: criteria provided, single submitter. Criteria: Ambry Variant Classification Scheme 2023. Collection method: clinical testing. Allele origin: germline.

Labcorp Genetics (formerly Invitae), Labcorp
Classification: Uncertain significance for Wiskott-Aldrich syndrome 2. Last evaluated: 2025-01-06. Review status: criteria provided, single submitter. Criteria: Invitae Variant Classification Sherloc (09022015). Collection method: clinical testing. Allele origin: germline.
Comment: This sequence change replaces proline, which is neutral and non-polar, with leucine, which is neutral and non-polar, at codon 13 of the WIPF1 protein (p.Pro13Leu). The frequency data for this variant in the population databases is considered unreliable, as metrics indicate poor data quality at this position in the gnomAD database. This variant has not been reported in the literature in individuals affected with WIPF1-related conditions. ClinVar contains an entry for this variant (Variation ID: 959396). Experimental studies and prediction algorithms are not available or were not evaluated, and the functional significance of this variant is currently unknown. In summary, the available evidence is currently insufficient to determine the role of this variant in disease. Therefore, it has been classified as a Variant of Uncertain Significance.

NM_001375834.1(WIPF1):c.38C>T (p.Pro13Leu)

Genes: WIPF1 (WAS/WASL interacting protein family member 1; minus strand), WIPF1-AS1 (WIPF1 and CHRNA1 antisense RNA 1; plus strand). Cytogenetic location: 2q31.1.
Variant type: single nucleotide variant.
Coding change: c.38C>T on transcript NM_001375834.1 (MANE Select); coding-DNA position 38, C replaced by T.
Protein change: p.Pro13Leu; replaces proline 13 with leucine.
Molecular consequence: missense variant.
Genome position (GRCh38, 1-based): chr2:174,585,536, G>A on the plus strand (C>T on the coding strand, the complement: WIPF1 is on the minus strand). VCF-style: chr2-174585536-G-A. GRCh37 (hg19) VCF-style: chr2-175450264-G-A.
Other names: c.38C>T, p.Pro13Leu (NM_001077269.1, NM_001375832.1, NM_001375833.1 and 6 more transcripts); short protein forms P13L.
Identifiers: ClinVar variation 959396 (VCV000959396.8), dbSNP rs770545171, ClinGen allele CA1974262.